The following is an entry in ClinVar:

ClinVar aggregate classification (germline): Uncertain significance (1 of 4 stars; one submission).

Submission:

GeneDx
Classification: Uncertain significance. Last evaluated: 2022-09-23. Review status: criteria provided, single submitter. Criteria: GeneDx Variant Classification Process June 2021. Collection method: clinical testing. Allele origin: germline. Affected: yes.
Comment: Not observed at significant frequency in large population cohorts (gnomAD); Frameshift variant predicted to result in protein truncation or nonsense mediated decay in a gene or region of a gene for which loss of function is not a well-established mechanism of disease; Has not been previously published as pathogenic or benign to our knowledge

NM_015178.3(RHOBTB2):c.294del (p.Arg99fs)

Gene: RHOBTB2 (Rho related BTB domain containing 2; plus strand). Cytogenetic location: 8p21.3.
Variant type: Deletion.
Coding change: c.294del on transcript NM_015178.3 (MANE Select); coding-DNA position 294, one base deleted (G; older notation c.294delG).
Protein change: p.Arg99fs; shifts the reading frame from arginine 99.
Molecular consequence: frameshift variant.
Genome position (GRCh38, 1-based): chr8:23,005,473, G deleted; the last of 3 consecutive G bases (chr8:23,005,471-23,005,473); deleting any one gives the same sequence. VCF-style (leftmost placement, unchanged base first): chr8-23005470-TG-T. GRCh37 (hg19) VCF-style: chr8-22862983-TG-T.
Other names: c.360del, p.Arg121fs (NM_001160036.2); c.315del, p.Arg106fs (NM_001160037.2); c.294del, p.Arg99fs (NM_001374791.1); short protein forms R106fs, R121fs, R99fs.
Identifiers: ClinVar variation 2446269 (VCV002446269.1), dbSNP rs2486999093, ClinGen allele CA2580078072.
Genomic context (GRCh38, chr8:23,005,470, plus strand): 5'-CGTCTCTCTGCGCCTCTGGGACACCTTTGGAGACCACCACAAAGACCGTCGCTTTGCTTA[TG>T]GGAGGTAGGGAAGGCCTCTAGCCGCCTGCAGAGAACCAACAGGGTGGGTTTTTCCCTGCT-3'